The following is an entry in ClinVar:

ClinVar aggregate classification (germline): Uncertain significance (1 of 4 stars; one submission).

gnomAD v4.1: 1 of 1,601,722 alleles (0.000062%); highest among the groups gnomAD compares: South Asian, 0.0011%; no homozygotes.

Submission:

GeneDx
Classification: Uncertain significance. Last evaluated: 2023-02-01. Review status: criteria provided, single submitter. Criteria: GeneDx Variant Classification Process June 2021. Collection method: clinical testing. Allele origin: germline. Affected: yes.
Comment: Not observed at significant frequency in large population cohorts (gnomAD); In silico analysis supports that this missense variant has a deleterious effect on protein structure/function; Has not been previously published as pathogenic or benign to our knowledge

NM_001130969.3(NSMF):c.886C>T (p.Pro296Ser)

Gene: NSMF (NMDA receptor synaptonuclear signaling and neuronal migration factor; minus strand). Cytogenetic location: 9q34.3.
Variant type: single nucleotide variant.
Coding change: c.886C>T on transcript NM_001130969.3 (MANE Select); coding-DNA position 886, C replaced by T.
Protein change: p.Pro296Ser; replaces proline 296 with serine.
Molecular consequence: missense variant. On other transcripts: intron variant (1).
Genome position (GRCh38, 1-based): chr9:137,453,767, G>A on the plus strand (C>T on the coding strand, the complement: NSMF is on the minus strand). VCF-style: chr9-137453767-G-A. GRCh37 (hg19) VCF-style: chr9-140348219-G-A.
Other names: c.833-587C>T (NM_001178064.2); c.817C>T, p.Pro273Ser (NM_001130970.2); c.811C>T, p.Pro271Ser (NM_001130971.2); c.880C>T, p.Pro294Ser (NM_015537.5, NM_182780.1); short protein forms P271S, P273S, P294S, P296S.
Identifiers: ClinVar variation 2574988 (VCV002574988.1), dbSNP rs2538321436, ClinGen allele CA375760580.
Genomic context (GRCh38, chr9:137,453,767, plus strand): 5'-GGCGGGCCTGTGCGGGGCACCTACTGTCTCGGGAGTCGTGGGAAGTGTCGGCTTTCATGG[G>A]GGTGGGGTCGCTCCAGGACCGGCTGAAGCTCCGCTCGCGCCGCTCAGCGAACGCTGCAGA-3'
Protein context (NP_001124441.1, residues 286-306): SFSRSWSDPT[Pro296Ser]MKADTSHDSR